The following is an entry in ClinVar:

ClinVar aggregate classification (germline): Uncertain significance (1 of 4 stars; one submission).

Conditions:
Severe combined immunodeficiency due to DNA-PKcs deficiency. Also called: IMMUNODEFICIENCY 26 WITH NEUROLOGIC ABNORMALITIES; Immunodeficiency 26 with or without neurologic abnormalities. Identifiers: Orphanet 317425, MedGen C4014833, MONDO:0014423, OMIM 615966.

gnomAD v4.1: 1 of 1,602,398 alleles (0.000062%); highest among the groups gnomAD compares: Non-Finnish European, 0.000085%; no homozygotes.

Submission:

Labcorp Genetics (formerly Invitae), Labcorp
Classification: Uncertain significance for Severe combined immunodeficiency due to DNA-PKcs deficiency. Last evaluated: 2025-05-30. Review status: criteria provided, single submitter. Criteria: Invitae Variant Classification Sherloc (09022015). Collection method: clinical testing. Allele origin: germline.
Comment: This sequence change replaces leucine, which is neutral and non-polar, with proline, which is neutral and non-polar, at codon 3011 of the PRKDC protein (p.Leu3011Pro). This variant is not present in population databases (gnomAD no frequency). This variant has not been reported in the literature in individuals affected with PRKDC-related conditions. Invitae Evidence Modeling of protein sequence and biophysical properties (such as structural, functional, and spatial information, amino acid conservation, physicochemical variation, residue mobility, and thermodynamic stability) indicates that this missense variant is expected to disrupt PRKDC protein function with a positive predictive value of 80%. In summary, the available evidence is currently insufficient to determine the role of this variant in disease. Therefore, it has been classified as a Variant of Uncertain Significance.

NM_006904.7(PRKDC):c.9032T>C (p.Leu3011Pro)

Gene: PRKDC (protein kinase, DNA-activated, catalytic subunit; minus strand). Cytogenetic location: 8q11.21.
Variant type: single nucleotide variant.
Coding change: c.9032T>C on transcript NM_006904.7 (MANE Select); coding-DNA position 9032, T replaced by C.
Protein change: p.Leu3011Pro; replaces leucine 3011 with proline.
Molecular consequence: missense variant.
Genome position (GRCh38, 1-based): chr8:47,821,683, A>G on the plus strand (T>C on the coding strand, the complement: PRKDC is on the minus strand). VCF-style: chr8-47821683-A-G. GRCh37 (hg19) VCF-style: chr8-48734244-A-G.
Other names: c.9032T>C, p.Leu3011Pro (NM_001081640.2); short protein forms L3011P.
Identifiers: ClinVar variation 4739812 (VCV004739812.1).